The following is an entry in ClinVar:

NM_000383.4(AIRE):c.512del (p.Glu171fs)

Gene: AIRE (autoimmune regulator; plus strand). Cytogenetic location: 21q22.3.
Variant type: Deletion.
Coding change: c.512del on transcript NM_000383.4 (MANE Select); coding-DNA position 512, one base deleted (A; older notation c.512delA).
Protein change: p.Glu171fs; shifts the reading frame from glutamic acid 171.
Molecular consequence: frameshift variant.
Genome position (GRCh38, 1-based): chr21:44,287,565, A deleted. VCF-style (leftmost placement, unchanged base first): chr21-44287564-GA-G. GRCh37 (hg19) VCF-style: chr21-45707447-GA-G.
Other names: short protein forms E171fs.
Identifiers: ClinVar variation 4069564 (VCV004069564.2).

ClinVar aggregate classification (germline): Likely pathogenic (1 of 4 stars; one submission).

Conditions:
Polyglandular autoimmune syndrome, type 1 (APS1). Also called: Autoimmune polyendocrinopathy syndrome , type I, with or without reversible metaphyseal dysplasia; Autoimmune polyendocrinopathy syndrome, type I; Whitaker syndrome; AUTOIMMUNE POLYENDOCRINE SYNDROME, TYPE I, WITH OR WITHOUT REVERSIBLE METAPHYSEAL DYSPLASIA; APS I; HYPOADRENOCORTICISM WITH HYPOPARATHYROIDISM AND SUPERFICIAL MONILIASIS. Identifiers: Orphanet 3453, MedGen C0085859, MONDO:0009411, OMIM 240300.

Submission:

Natera, Inc.
Classification: Likely pathogenic for Polyglandular autoimmune syndrome type 1. Last evaluated: 2025-02-04. Review status: criteria provided, single submitter. Criteria: Natera Variant Classification Schema (03/2026). Collection method: clinical testing. Allele origin: germline.
Comment: The c.512del variant in AIRE is a frameshift variant predicted to shift the reading frame beginning at codon 171 and leads to a stop codon 207 codons downstream. This variant is expected to result in nonsense mediated decay, truncation, or a dysfunctional protein product. This variant is rare in the general population with a frequency below the threshold expected for the associated phenotype(s). Given the available evidence, this variant is classified as Likely Pathogenic.